The following is an entry in ClinVar:

NM_001065.4(TNFRSF1A):c.455G>A (p.Gly152Glu)

Gene: TNFRSF1A (TNF receptor superfamily member 1A; minus strand). Cytogenetic location: 12p13.31.
Variant type: single nucleotide variant.
Coding change: c.455G>A on transcript NM_001065.4 (MANE Select); coding-DNA position 455, G replaced by A.
Protein change: p.Gly152Glu; replaces glycine 152 with glutamic acid.
Molecular consequence: missense variant. On other transcripts: 5 prime UTR variant (1), non-coding transcript variant (1).
Genome position (GRCh38, 1-based): chr12:6,333,384, C>T on the plus strand (G>A on the coding strand, the complement: TNFRSF1A is on the minus strand). VCF-style: chr12-6333384-C-T. GRCh37 (hg19) VCF-style: chr12-6442550-C-T.
Other names: c.131G>A, p.Gly44Glu (NM_001346091.2); c.-123G>A (NM_001346092.2); short protein forms G152E, G44E.
Identifiers: ClinVar variation 2724141 (VCV002724141.3), dbSNP rs762635729, ClinGen allele CA383549882.

ClinVar aggregate classification (germline): Uncertain significance (1 of 4 stars; one submission).

Conditions:
TNF receptor-associated periodic fever syndrome (TRAPS) (FPF). Also called: TNF receptor 1-associated periodic fever syndrome; TNF Receptor-Associated Periodic Fever Syndrome; FAMILIAL HIBERNIAN FEVER; TNF RECEPTOR-ASSOCIATED PERIODIC SYNDROME; TUMOR NECROSIS FACTOR RECEPTOR-ASSOCIATED PERIODIC SYNDROME; Autosomal Dominant Familial Periodic Fever. Identifiers: Orphanet 32960, MedGen C1275126, MONDO:0007727, OMIM 142680.

Submission:

Labcorp Genetics (formerly Invitae), Labcorp
Classification: Uncertain significance for TNF receptor-associated periodic fever syndrome (TRAPS). Last evaluated: 2023-06-22. Review status: criteria provided, single submitter. Criteria: Invitae Variant Classification Sherloc (09022015). Collection method: clinical testing. Allele origin: germline.
Comment: This variant has not been reported in the literature in individuals affected with TNFRSF1A-related conditions. This sequence change replaces glycine, which is neutral and non-polar, with glutamic acid, which is acidic and polar, at codon 152 of the TNFRSF1A protein (p.Gly152Glu). This variant is not present in population databases (gnomAD no frequency). Advanced modeling of protein sequence and biophysical properties (such as structural, functional, and spatial information, amino acid conservation, physicochemical variation, residue mobility, and thermodynamic stability) performed at Invitae indicates that this missense variant is expected to disrupt TNFRSF1A protein function. In summary, the available evidence is currently insufficient to determine the role of this variant in disease. Therefore, it has been classified as a Variant of Uncertain Significance.